The following is an entry in ClinVar:

ClinVar aggregate classification (germline): Uncertain significance. Review status: criteria provided, multiple submitters, no conflicts (2 of 4 stars). 2 submissions from 2 submitters: Uncertain significance (2). Last evaluated 2026-01-24.

Conditions:
Familial thoracic aortic aneurysm and aortic dissection (TAAD). Also called: Thoracic aortic aneurysms and dissections. Identifiers: Orphanet 91387, MedGen C4707243, MONDO:0019625.

Submissions (2):

Ambry Genetics
Classification: Uncertain significance for Familial thoracic aortic aneurysm and aortic dissection. Last evaluated: 2026-01-24. Review status: criteria provided, single submitter. Criteria: Ambry Variant Classification Scheme 2023. Collection method: clinical testing. Allele origin: germline.
Comment: The p.G1771D variant (also known as c.5312G>A), located in coding exon 31 of the FLNA gene, results from a G to A substitution at nucleotide position 5312. The glycine at codon 1771 is replaced by aspartic acid, an amino acid with similar properties. This amino acid position is conserved. In addition, this alteration is predicted to be tolerated by in silico analysis. Based on the available evidence, the clinical significance of this variant remains unclear.

GeneDx
Classification: Uncertain significance. Last evaluated: 2025-07-11. Review status: criteria provided, single submitter. Criteria: GeneDx Variant Classification Process June 2021. Collection method: clinical testing. Allele origin: germline. Affected: yes.
Comment: Has not been previously published as pathogenic or benign to our knowledge; Not observed at significant frequency in large population cohorts (gnomAD); In silico analysis suggests that this missense variant does not alter protein structure/function

NM_001110556.2(FLNA):c.5336G>A (p.Gly1779Asp)

Gene: FLNA (filamin A; minus strand). Cytogenetic location: Xq28.
Variant type: single nucleotide variant.
Coding change: c.5336G>A on transcript NM_001110556.2 (MANE Select); coding-DNA position 5336, G replaced by A.
Protein change: p.Gly1779Asp; replaces glycine 1779 with aspartic acid.
Molecular consequence: missense variant.
Genome position (GRCh38, 1-based): chrX:154,354,461, C>T on the plus strand (G>A on the coding strand, the complement: FLNA is on the minus strand). VCF-style: chrX-154354461-C-T. GRCh37 (hg19) VCF-style: chrX-153582829-C-T.
Other names: c.5312G>A, p.Gly1771Asp (NM_001456.4); short protein forms G1771D, G1779D.
Identifiers: ClinVar variation 1309285 (VCV001309285.4), dbSNP rs2067646821, ClinGen allele CA415205808.